The following is an entry in ClinVar:

NM_201253.3(CRB1):c.3256G>T (p.Ala1086Ser)

Gene: CRB1 (crumbs cell polarity complex component 1; plus strand). Cytogenetic location: 1q31.3.
Variant type: single nucleotide variant.
Coding change: c.3256G>T on transcript NM_201253.3 (MANE Select); coding-DNA position 3256, G replaced by T.
Protein change: p.Ala1086Ser; replaces alanine 1086 with serine.
Molecular consequence: missense variant. On other transcripts: non-coding transcript variant (2), intron variant (1).
Genome position (GRCh38, 1-based): chr1:197,435,119, G>T. VCF-style: chr1-197435119-G-T. GRCh37 (hg19) VCF-style: chr1-197404249-G-T.
Other names: c.2920G>T, p.Ala974Ser (NM_001193640.2); c.3184G>T, p.Ala1062Ser (NM_001257965.2); c.2129-481G>T (NM_001257966.2); short protein forms A1062S, A1086S, A974S.
Identifiers: ClinVar variation 1504313 (VCV001504313.8), dbSNP rs2125499915, ClinGen allele CA344046873.

ClinVar aggregate classification (germline): Uncertain significance (1 of 4 stars; one submission).

Conditions:
Leber congenital amaurosis 8 (LCA8). Identifiers: Orphanet 65, MedGen C3151202, MONDO:0013453, OMIM 613835.
Retinitis pigmentosa 12 (RP12). Also called: RP WITH OR WITHOUT PPRPE; RP WITH OR WITHOUT PRESERVED PARAARTERIOLE RETINAL PIGMENT EPITHELIUM; RETINITIS PIGMENTOSA WITH OR WITHOUT PARAARTERIOLAR PRESERVATION OF RETINAL PIGMENT EPITHELIUM. Identifiers: Orphanet 791, MedGen C1838647, MONDO:0010818, OMIM 600105.

Submission:

Labcorp Genetics (formerly Invitae), Labcorp
Classification: Uncertain significance for Leber congenital amaurosis 8; Retinitis pigmentosa 12. Last evaluated: 2020-11-27. Review status: criteria provided, single submitter. Criteria: Invitae Variant Classification Sherloc (09022015). Collection method: clinical testing. Allele origin: germline.
Comment: This sequence change replaces alanine with serine at codon 1086 of the CRB1 protein (p.Ala1086Ser). The alanine residue is highly conserved and there is a moderate physicochemical difference between alanine and serine. This variant is not present in population databases (ExAC no frequency). This variant has not been reported in the literature in individuals with CRB1-related conditions. Advanced modeling of protein sequence and biophysical properties (such as structural, functional, and spatial information, amino acid conservation, physicochemical variation, residue mobility, and thermodynamic stability) performed at Invitae indicates that this missense variant is not expected to disrupt CRB1 protein function. In summary, the available evidence is currently insufficient to determine the role of this variant in disease. Therefore, it has been classified as a Variant of Uncertain Significance.